The following is an entry in ClinVar:

NM_013339.4(ALG6):c.65_66insAAGA (p.Leu23fs)

Gene: ALG6 (ALG6 alpha-1,3-glucosyltransferase; plus strand). Cytogenetic location: 1p31.3.
Variant type: Insertion.
Coding change: c.65_66insAAGA on transcript NM_013339.4 (MANE Select); coding-DNA positions 65 to 66, AAGA inserted.
Protein change: p.Leu23fs; shifts the reading frame from leucine 23.
Molecular consequence: frameshift variant.
Genome position: GRCh38 VCF-style: chr1-63371042-C-CAAGA. GRCh37 (hg19) VCF-style: chr1-63836713-C-CAAGA.
Other names: c.65_66insAAGA, p.Leu23fs (LRG_1260t1); short protein forms L23fs.
Identifiers: ClinVar variation 555062 (VCV000555062.7), dbSNP rs1553153399, ClinGen allele CA658821064.

ClinVar aggregate classification (germline): Pathogenic. Review status: criteria provided, single submitter (1 of 4 stars). 2 submissions from 2 submitters: Pathogenic (1). 1 of the submissions does not count toward it. Last evaluated 2023-01-01.

Conditions:
ALG6-congenital disorder of glycosylation 1C (CDG1C). Also called: CARBOHYDRATE-DEFICIENT GLYCOPROTEIN SYNDROME, TYPE I, WITH DEFICIENT GLYCOSYLATION OF DOLICHOL-LINKED OLIGOSACCHARIDE; CARBOHYDRATE-DEFICIENT GLYCOPROTEIN SYNDROME, TYPE V; Congenital disorder of glycosylation type 1C; Congenital disorder of glycosylation, type Ic; CDG Ic. Identifiers: Orphanet 79320, MedGen C2930997, MONDO:0011291, OMIM 603147.

Allele frequency attached by ClinVar (database versions not stated): TOPMed 0.00001.

Submissions (2):

Labcorp Genetics (formerly Invitae), Labcorp
Classification: Pathogenic for ALG6-congenital disorder of glycosylation 1C. Last evaluated: 2023-01-01. Review status: criteria provided, single submitter. Criteria: Invitae Variant Classification Sherloc (09022015). Collection method: clinical testing. Allele origin: germline.
Comment: For these reasons, this variant has been classified as Pathogenic. ClinVar contains an entry for this variant (Variation ID: 555062). This variant has not been reported in the literature in individuals affected with ALG6-related conditions. This variant is not present in population databases (gnomAD no frequency). This sequence change creates a premature translational stop signal (p.Leu23Argfs*3) in the ALG6 gene. It is expected to result in an absent or disrupted protein product. Loss-of-function variants in ALG6 are known to be pathogenic (PMID: 19862844).

Counsyl
Classification: Likely pathogenic for ALG6-congenital disorder of glycosylation 1C. Last evaluated: 2017-11-13. Review status: no assertion criteria provided. Collection method: clinical testing. Allele origin: unknown. Not counted in ClinVar's aggregate classification.

Literature cited by the submitters: PubMed 19862844 (cited by Labcorp Genetics (formerly Invitae), Labcorp).